The following is an entry in ClinVar:

NM_000702.4(ATP1A2):c.728T>A (p.Phe243Tyr)

Genes: ATP1A2 (ATPase Na+/K+ transporting subunit alpha 2; plus strand), LOC126805890 (CDK7 strongly-dependent group 2 enhancer GRCh37_chr1:160093987-160095186; plus strand). Cytogenetic location: 1q23.2.
Variant type: single nucleotide variant.
Coding change: c.728T>A on transcript NM_000702.4 (MANE Select); coding-DNA position 728, T replaced by A.
Protein change: p.Phe243Tyr; replaces phenylalanine 243 with tyrosine.
Molecular consequence: missense variant.
Genome position (GRCh38, 1-based): chr1:160,125,233, T>A. VCF-style: chr1-160125233-T-A. GRCh37 (hg19) VCF-style: chr1-160095023-T-A.
Other names: c.728T>A (NM_000702.3); short protein forms F243Y.
Identifiers: ClinVar variation 1012045 (VCV001012045.10), dbSNP rs1651548339, ClinGen allele CA343235598.
Genomic context (GRCh38, chr1:160,125,233, plus strand): 5'-AGACCCGCTCCCCCGAGTTCACCCATGAGAACCCCCTGGAGACCCGCAATATCTGTTTCT[T>A]CTCCACCAACTGTGTTGAAGGTGAGAAGCCAGGCTGCCCCCTGTAGGAAAGAGTCTGAAT-3'
Protein context (NP_000693.1, residues 233-253): NPLETRNICF[Phe243Tyr]STNCVEGTAR

ClinVar aggregate classification (germline): Uncertain significance. Review status: criteria provided, multiple submitters, no conflicts (2 of 4 stars). 2 submissions from 2 submitters: Uncertain significance (2). Last evaluated 2025-01-27.

Conditions:
Familial hemiplegic migraine. Identifiers: MedGen C0338484, MONDO:0000700.

Submissions (2):

GeneDx
Classification: Uncertain significance. Last evaluated: 2025-01-27. Review status: criteria provided, single submitter. Criteria: GeneDx Variant Classification Process June 2021. Collection method: clinical testing. Allele origin: germline. Affected: yes.
Comment: Not observed at significant frequency in large population cohorts (gnomAD); In silico analysis indicates that this missense variant does not alter protein structure/function; Has not been previously published as pathogenic or benign to our knowledge

Labcorp Genetics (formerly Invitae), Labcorp
Classification: Uncertain significance for Familial hemiplegic migraine. Last evaluated: 2020-10-16. Review status: criteria provided, single submitter. Criteria: Invitae Variant Classification Sherloc (09022015). Collection method: clinical testing. Allele origin: germline.
Comment: In summary, the available evidence is currently insufficient to determine the role of this variant in disease. Therefore, it has been classified as a Variant of Uncertain Significance. Advanced modeling of protein sequence and biophysical properties (such as structural, functional, and spatial information, amino acid conservation, physicochemical variation, residue mobility, and thermodynamic stability) performed at Invitae indicates that this missense variant is expected to disrupt ATP1A2 protein function. This variant has not been reported in the literature in individuals with ATP1A2-related conditions. This variant is not present in population databases (ExAC no frequency). This sequence change replaces phenylalanine with tyrosine at codon 243 of the ATP1A2 protein (p.Phe243Tyr). The phenylalanine residue is highly conserved and there is a small physicochemical difference between phenylalanine and tyrosine.